The following is an entry in ClinVar:

NM_000166.6(GJB1):c.625G>T (p.Val209Leu)

Gene: GJB1 (gap junction protein beta 1; plus strand). Cytogenetic location: Xq13.1.
Variant type: single nucleotide variant.
Coding change: c.625G>T on transcript NM_000166.6 (MANE Select); coding-DNA position 625, G replaced by T.
Protein change: p.Val209Leu; replaces valine 209 with leucine.
Molecular consequence: missense variant.
Genome position (GRCh38, 1-based): chrX:71,224,332, G>T. VCF-style: chrX-71224332-G-T. GRCh37 (hg19) VCF-style: chrX-70444182-G-T.
Other names: c.625G>T, p.Val209Leu (NM_001097642.3); short protein forms V209L.
Identifiers: ClinVar variation 2187930 (VCV002187930.1), dbSNP rs2092545968, ClinGen allele CA413503342.

ClinVar aggregate classification (germline): Uncertain significance (1 of 4 stars; one submission).

Conditions:
Charcot-Marie-Tooth Neuropathy X. Identifiers: MedGen CN118851.

Allele frequency attached by ClinVar (database versions not stated): gnomAD exomes below 0.00001; TOPMed 0.00001.

Submission:

Labcorp Genetics (formerly Invitae), Labcorp
Classification: Uncertain significance for Charcot-Marie-Tooth Neuropathy X. Last evaluated: 2022-05-12. Review status: criteria provided, single submitter. Criteria: Invitae Variant Classification Sherloc (09022015). Collection method: clinical testing. Allele origin: germline.
Comment: This sequence change replaces valine, which is neutral and non-polar, with leucine, which is neutral and non-polar, at codon 209 of the GJB1 protein (p.Val209Leu). This variant is not present in population databases (gnomAD no frequency). This variant has not been reported in the literature in individuals affected with GJB1-related conditions. Algorithms developed to predict the effect of missense changes on protein structure and function output the following: SIFT: "Tolerated"; PolyPhen-2: "Benign"; Align-GVGD: "Class C0". The leucine amino acid residue is found in multiple mammalian species, which suggests that this missense change does not adversely affect protein function. In summary, the available evidence is currently insufficient to determine the role of this variant in disease. Therefore, it has been classified as a Variant of Uncertain Significance.